The following is an entry in ClinVar:

NM_001369.3(DNAH5):c.6570_6573del (p.Ser2191fs)

Gene: DNAH5 (dynein axonemal heavy chain 5; minus strand). Cytogenetic location: 5p15.2.
Variant type: Deletion.
Coding change: c.6570_6573del on transcript NM_001369.3 (MANE Select); coding-DNA positions 6570 to 6573, 4 bases deleted (TTCT; older notation c.6570_6573delTTCT).
Protein change: p.Ser2191fs; shifts the reading frame from serine 2191.
Molecular consequence: frameshift variant.
Genome position (GRCh38, 1-based): chr5:13,824,205-13,824,208, AGAA deleted on the plus strand (TTCT on the coding strand, the reverse complement: DNAH5 is on the minus strand); deleting any 4 consecutive bases within chr5:13,824,205-13,824,211 gives the same sequence; the c. name uses the placement nearest the transcript's 3' end. VCF-style (leftmost placement, unchanged base first): chr5-13824204-TAGAA-T. GRCh37 (hg19) VCF-style: chr5-13824313-TAGAA-T.
Other names: short protein forms S2191fs.
Identifiers: ClinVar variation 1724460 (VCV001724460.2), dbSNP rs2546857516, ClinGen allele CA2580072182.

ClinVar aggregate classification (germline): Likely pathogenic (1 of 4 stars; one submission).

Conditions:
Primary ciliary dyskinesia 3. Identifiers: Orphanet 244, MedGen C1837618, MONDO:0012085, OMIM 608644.

Submission:

Myriad Genetics, Inc.
Classification: Likely pathogenic for Primary ciliary dyskinesia 3. Last evaluated: 2022-02-17. Review status: criteria provided, single submitter. Criteria: Myriad Women's Health Autosomal Recessive and X-Linked Classification Criteria (2021). Collection method: clinical testing. Allele origin: unknown.
Comment: NM_001369.2(DNAH5):c.6570_6573delTTCT(S2191Nfs*2) is expected to be pathogenic in the context of DNAH5-related primary ciliary dyskinesia. This variant is predicted to lead to an abnormal or absent protein product due to the creation of a premature termination codon in DNAH5, a gene where loss-of-function variants are known to be pathogenic. Please note: this variant was assessed in the context of healthy population screening.